The following is an entry in ClinVar:

ClinVar aggregate classification (germline): Uncertain significance (1 of 4 stars; one submission).

Conditions:
Duchenne muscular dystrophy (DMD). Also called: MUSCULAR DYSTROPHY, PSEUDOHYPERTROPHIC PROGRESSIVE, DUCHENNE TYPE; Duchenne Muscular Dystrophy (DMD). Identifiers: Orphanet 98896, MedGen C0013264, MONDO:0010679, OMIM 310200.

gnomAD v4.1: 4 of 1,210,590 alleles (0.00033%); highest among the groups gnomAD compares: South Asian, 0.0053%; no homozygotes.

Submission:

Labcorp Genetics (formerly Invitae), Labcorp
Classification: Uncertain significance for Duchenne muscular dystrophy. Last evaluated: 2024-04-05. Review status: criteria provided, single submitter. Criteria: Invitae Variant Classification Sherloc (09022015). Collection method: clinical testing. Allele origin: germline.
Comment: This sequence change replaces threonine, which is neutral and polar, with isoleucine, which is neutral and non-polar, at codon 2161 of the DMD protein (p.Thr2161Ile). This variant is not present in population databases (gnomAD no frequency). This variant has not been reported in the literature in individuals affected with DMD-related conditions. Advanced modeling of protein sequence and biophysical properties (such as structural, functional, and spatial information, amino acid conservation, physicochemical variation, residue mobility, and thermodynamic stability) performed at Invitae indicates that this missense variant is not expected to disrupt DMD protein function with a negative predictive value of 95%. In summary, the available evidence is currently insufficient to determine the role of this variant in disease. Therefore, it has been classified as a Variant of Uncertain Significance.

NM_004006.3(DMD):c.6482C>T (p.Thr2161Ile)

Gene: DMD (dystrophin; minus strand). Cytogenetic location: Xp21.1.
Variant type: single nucleotide variant.
Coding change: c.6482C>T on transcript NM_004006.3 (MANE Select); coding-DNA position 6482, C replaced by T.
Protein change: p.Thr2161Ile; replaces threonine 2161 with isoleucine.
Molecular consequence: missense variant. On other transcripts: 5 prime UTR variant (5).
Genome position (GRCh38, 1-based): chrX:31,968,471, G>A on the plus strand (C>T on the coding strand, the complement: DMD is on the minus strand). VCF-style: chrX-31968471-G-A. GRCh37 (hg19) VCF-style: chrX-31986588-G-A.
Other names: c.6458C>T, p.Thr2153Ile (NM_000109.4); c.6470C>T, p.Thr2157Ile (NM_004009.3); c.6113C>T, p.Thr2038Ile (NM_004010.3); c.2459C>T, p.Thr820Ile (NM_004011.4); c.2450C>T, p.Thr817Ile (NM_004012.4); c.-899C>T (NM_004013.3, NM_004020.4, NM_004021.3 and 2 more transcripts); short protein forms T2038I, T820I, T817I, T2157I, T2161I, T2153I.
Identifiers: ClinVar variation 3714559 (VCV003714559.2).